The following is an entry in ClinVar:

ClinVar aggregate classification (germline): Pathogenic (1 of 4 stars; one submission).

Submission:

Labcorp Genetics (formerly Invitae), Labcorp
Classification: Pathogenic. Last evaluated: 2021-11-18. Review status: criteria provided, single submitter. Criteria: Invitae Variant Classification Sherloc (09022015). Collection method: clinical testing. Allele origin: germline.
Comment: This sequence change creates a premature translational stop signal (p.Arg242Serfs*18) in the IFT81 gene. It is expected to result in an absent or disrupted protein product. Loss-of-function variants in IFT81 are known to be pathogenic (PMID: 26275418, 27666822). For these reasons, this variant has been classified as Pathogenic. ClinVar contains an entry for this variant (Variation ID: 834402). This variant has not been reported in the literature in individuals affected with IFT81-related conditions. This variant is present in population databases (no rsID available, gnomAD 0.002%).

Literature cited by the submitters: PubMed 26275418; PubMed 27666822.

NM_014055.4(IFT81):c.723_724del (p.Arg242fs)

Gene: IFT81 (intraflagellar transport 81; plus strand). Cytogenetic location: 12q24.11.
Variant type: Deletion.
Coding change: c.723_724del on transcript NM_014055.4 (MANE Select); coding-DNA positions 723 to 724, 2 bases deleted (AA; older notation c.723_724delAA).
Protein change: p.Arg242fs; shifts the reading frame from arginine 242.
Molecular consequence: frameshift variant. On other transcripts: 5 prime UTR variant (2), non-coding transcript variant (4).
Genome position (GRCh38, 1-based): chr12:110,136,802-110,136,803, AA deleted; deleting any 2 consecutive bases within chr12:110,136,801-110,136,803 gives the same sequence; the c. name uses the placement nearest the transcript's 3' end. VCF-style (leftmost placement, unchanged base first): chr12-110136800-CAA-C. GRCh37 (hg19) VCF-style: chr12-110574605-CAA-C.
Other names: c.723_724del, p.Arg242fs (NM_001143779.2, NM_001347946.2, NM_031473.4); c.-44_-43del (NM_001347947.2, NM_001347948.2); short protein forms R242fs.
Identifiers: ClinVar variation 834402 (VCV000834402.8), dbSNP rs1395766003, ClinGen allele CA607558135.